The following is an entry in ClinVar:

NM_001356.5(DDX3X):c.1261T>G (p.Trp421Gly)

Gene: DDX3X (DEAD-box helicase 3 X-linked; plus strand). Cytogenetic location: Xp11.4.
Variant type: single nucleotide variant.
Coding change: c.1261T>G on transcript NM_001356.5 (MANE Select); coding-DNA position 1261, T replaced by G.
Protein change: p.Trp421Gly; replaces tryptophan 421 with glycine.
Molecular consequence: missense variant. On other transcripts: non-coding transcript variant (1).
Genome position (GRCh38, 1-based): chrX:41,345,494, T>G. VCF-style: chrX-41345494-T-G. GRCh37 (hg19) VCF-style: chrX-41204747-T-G.
Other names: c.1261T>G, p.Trp421Gly (NM_001193416.3); c.1213T>G, p.Trp405Gly (NM_001193417.3); c.703T>G, p.Trp235Gly (NM_001363819.1); short protein forms W235G, W405G, W421G.
Identifiers: ClinVar variation 1188775 (VCV001188775.5), dbSNP rs2147356713, ClinGen allele CA412773363.

ClinVar aggregate classification (germline): Conflicting classifications of pathogenicity. Review status: criteria provided, conflicting classifications (1 of 4 stars). 2 submissions from 2 submitters: Pathogenic (1); Uncertain significance (1). Last evaluated 2024-03-13.

Conditions:
Intellectual disability, X-linked 102 (MRXSSB). Also called: Intellectual developmental disorder, X-linked syndromic, Snijders Blok type. Identifiers: Orphanet 457260, MedGen C5393299, MONDO:0010497, OMIM 300958.

Submissions (2):

GeneDx
Classification: Pathogenic. Last evaluated: 2024-03-13. Review status: criteria provided, single submitter. Criteria: GeneDx Variant Classification Process June 2021. Collection method: clinical testing. Allele origin: germline. Affected: yes.
Comment: Not observed in large population cohorts (gnomAD); In silico analysis supports that this missense variant has a deleterious effect on protein structure/function; Has not been previously published as pathogenic or benign to our knowledge

Institute of Human Genetics, University of Leipzig Medical Center
Classification: Uncertain significance for Intellectual disability, X-linked 102. Last evaluated: 2023-08-04. Review status: criteria provided, single submitter. Criteria: ACMG Guidelines, 2015. Collection method: clinical testing. Allele origin: de novo. Inheritance: X-linked dominant inheritance. Affected: yes.
Comment: Criteria applied: PS2_MOD,PS4_SUP,PM2_SUP,PP2